The following is an entry in ClinVar:

ClinVar aggregate classification (germline): Uncertain significance. Review status: criteria provided, multiple submitters, no conflicts (2 of 4 stars). 3 submissions from 3 submitters: Uncertain significance (3). Last evaluated 2025-01-29.

Conditions:
Inborn genetic diseases. Identifiers: MedGen C0950123, MeSH D030342.
Brown-Vialetto-van Laere syndrome 1. Also called: BROWN-VIALETTO-VAN LAERE SYNDROME 1, MILD; BULBAR PALSY, PROGRESSIVE, WITH SENSORINEURAL DEAFNESS; PONTOBULBAR PALSY WITH DEAFNESS. Identifiers: Orphanet 572550, Orphanet 97229, MedGen C0796274, MONDO:0024537, OMIM 211530.

Allele frequency attached by ClinVar (database versions not stated): TOPMed 0.00003; ExAC 0.00001; gnomAD exomes below 0.00001; gnomAD 0.00004.
gnomAD v4.1: 19 of 1,608,690 alleles (0.0012%); highest among the groups gnomAD compares: Non-Finnish European, 0.0015%; no homozygotes.

Submissions (3):

GeneDx
Classification: Uncertain significance. Last evaluated: 2025-01-29. Review status: criteria provided, single submitter. Criteria: GeneDx Variant Classification Process June 2021. Collection method: clinical testing. Allele origin: germline. Affected: yes.
Comment: Not observed at significant frequency in large population cohorts (gnomAD); In silico analysis indicates that this missense variant does not alter protein structure/function; Has not been previously published as pathogenic or benign to our knowledge

Labcorp Genetics (formerly Invitae), Labcorp
Classification: Uncertain significance for Brown-Vialetto-van Laere syndrome 1. Last evaluated: 2021-08-27. Review status: criteria provided, single submitter. Criteria: Invitae Variant Classification Sherloc (09022015). Collection method: clinical testing. Allele origin: germline.
Comment: This sequence change replaces valine with isoleucine at codon 9 of the SLC52A3 protein (p.Val9Ile). The valine residue is moderately conserved and there is a small physicochemical difference between valine and isoleucine. This variant is present in population databases (rs770505431, ExAC 0.002%). This variant has not been reported in the literature in individuals affected with SLC52A3-related conditions. Algorithms developed to predict the effect of missense changes on protein structure and function (SIFT, PolyPhen-2, Align-GVGD) all suggest that this variant is likely to be tolerated. In summary, the available evidence is currently insufficient to determine the role of this variant in disease. Therefore, it has been classified as a Variant of Uncertain Significance.

Ambry Genetics
Classification: Uncertain significance for Inborn genetic diseases. Last evaluated: 2019-11-27. Review status: criteria provided, single submitter. Criteria: Ambry Variant Classification Scheme 2023. Collection method: clinical testing. Allele origin: germline.
Comment: The p.V9I variant (also known as c.25G>A), located in coding exon 1 of the SLC52A3 gene, results from a G to A substitution at nucleotide position 25. The valine at codon 9 is replaced by isoleucine, an amino acid with highly similar properties. This amino acid position is not well conserved in available vertebrate species. In addition, this alteration is predicted to be tolerated by in silico analysis. Since supporting evidence is limited at this time, the clinical significance of this alteration remains unclear.

NM_033409.4(SLC52A3):c.25G>A (p.Val9Ile)

Gene: SLC52A3 (solute carrier family 52 member 3; minus strand). Cytogenetic location: 20p13.
Variant type: single nucleotide variant.
Coding change: c.25G>A on transcript NM_033409.4 (MANE Select); coding-DNA position 25, G replaced by A.
Protein change: p.Val9Ile; replaces valine 9 with isoleucine.
Molecular consequence: missense variant.
Genome position (GRCh38, 1-based): chr20:765,750, C>T on the plus strand (G>A on the coding strand, the complement: SLC52A3 is on the minus strand). VCF-style: chr20-765750-C-T. GRCh37 (hg19) VCF-style: chr20-746394-C-T.
Other names: c.25G>A, p.Val9Ile (NM_001370085.1, NM_001370086.1); short protein forms V9I.
Identifiers: ClinVar variation 967771 (VCV000967771.8), dbSNP rs770505431, ClinGen allele CA9724841.
Genomic context (GRCh38, chr20:765,750, plus strand): 5'-GGGGCAGCTCTACCCAGAGCCCATTGATGGTCACCCAGGAGCCCATTCCGAAGACGCAGA[C>T]CAGCAGGTGCATCAGGAAGGCCATGGCGGTATCTGCCCTGGGCCAGAGGCTTTCTCAGAT-3'
Protein context (NP_212134.3, residues 1-19): MAFLMHLL[Val9Ile]CVFGMGSWVT